The following is an entry in ClinVar:

ClinVar aggregate classification (germline): Uncertain significance (1 of 4 stars; one submission).

Conditions:
Hereditary cancer-predisposing syndrome. Also called: Neoplastic Syndromes, Hereditary; Tumor predisposition; Hereditary neoplastic syndrome; Hereditary Cancer Syndrome. Identifiers: Orphanet 140162, MedGen C0027672, MeSH D009386, MONDO:0015356.

Submission:

Ambry Genetics
Classification: Uncertain significance for Hereditary cancer-predisposing syndrome. Last evaluated: 2026-07-07. Review status: criteria provided, single submitter. Criteria: Ambry Variant Classification Scheme 2023. Collection method: clinical testing. Allele origin: germline.
Comment: The p.M724T variant (also known as c.2171T>C), located in coding exon 15 of the KIT gene, results from a T to C substitution at nucleotide position 2171. The methionine at codon 724 is replaced by threonine, an amino acid with similar properties. This amino acid position is conserved. In addition, this alteration is predicted to be deleterious by in silico analysis. Based on the available evidence, the clinical significance of this variant remains unclear.

NM_000222.3(KIT):c.2171T>C (p.Met724Thr)

Gene: KIT (KIT proto-oncogene, receptor tyrosine kinase; plus strand). Cytogenetic location: 4q12.
Variant type: single nucleotide variant.
Coding change: c.2171T>C on transcript NM_000222.3 (MANE Select); coding-DNA position 2171, T replaced by C.
Protein change: p.Met724Thr; replaces methionine 724 with threonine.
Molecular consequence: missense variant.
Genome position (GRCh38, 1-based): chr4:54,731,357, T>C. VCF-style: chr4-54731357-T-C. GRCh37 (hg19) VCF-style: chr4-55597523-T-C.
Other names: c.2159T>C, p.Met720Thr (NM_001093772.2, NM_001385292.1); c.2174T>C, p.Met725Thr (NM_001385284.1); c.2168T>C, p.Met723Thr (NM_001385285.1); c.2156T>C, p.Met719Thr (NM_001385286.1); c.2162T>C, p.Met721Thr (NM_001385288.1); c.2171T>C, p.Met724Thr (NM_001385290.1); short protein forms M720T, M723T, M724T, M719T, M725T, M721T.
Identifiers: ClinVar variation 5023323 (VCV005023323.1).